The following is an entry in ClinVar:

ClinVar aggregate classification (germline): Uncertain significance. Review status: criteria provided, multiple submitters, no conflicts (2 of 4 stars). 2 submissions from 2 submitters: Uncertain significance (2). Last evaluated 2026-05-13.

Conditions:
RAI1-related disorder. Also called: RAI1-related condition.

Allele frequency attached by ClinVar (database versions not stated): TOPMed below 0.00001; gnomAD exomes 0.00001; ExAC 0.00002.
gnomAD v4.1: 20 of 1,613,024 alleles (0.0012%); highest among the groups gnomAD compares: Admixed American, 0.0017%; no homozygotes.

Submissions (2):

PreventionGenetics, part of Exact Sciences
Classification: Uncertain significance for RAI1-related condition. Last evaluated: 2026-05-13. Review status: criteria provided, single submitter. Criteria: ACMG Guidelines, 2015. Collection method: clinical testing. Allele origin: germline.
Comment: The RAI1 c.3499C>T variant is predicted to result in the amino acid substitution p.Arg1167Trp. To our knowledge, this variant has not been reported in the literature. This variant is reported in 0.0033% of alleles in individuals of South Asian descent in gnomAD. At this time, the clinical significance of this variant is uncertain due to the absence of conclusive functional and genetic evidence.

Labcorp Genetics (formerly Invitae), Labcorp
Classification: Uncertain significance. Last evaluated: 2023-07-18. Review status: criteria provided, single submitter. Criteria: Invitae Variant Classification Sherloc (09022015). Collection method: clinical testing. Allele origin: germline.
Comment: In summary, the available evidence is currently insufficient to determine the role of this variant in disease. Therefore, it has been classified as a Variant of Uncertain Significance. Advanced modeling of protein sequence and biophysical properties (such as structural, functional, and spatial information, amino acid conservation, physicochemical variation, residue mobility, and thermodynamic stability) performed at Invitae indicates that this missense variant is not expected to disrupt RAI1 protein function. This variant has not been reported in the literature in individuals affected with RAI1-related conditions. The frequency data for this variant in the population databases is considered unreliable, as metrics indicate poor data quality at this position in the gnomAD database. This sequence change replaces arginine, which is basic and polar, with tryptophan, which is neutral and slightly polar, at codon 1167 of the RAI1 protein (p.Arg1167Trp).

NM_030665.4(RAI1):c.3499C>T (p.Arg1167Trp)

Gene: RAI1 (retinoic acid induced 1; plus strand). Cytogenetic location: 17p11.2.
Variant type: single nucleotide variant.
Coding change: c.3499C>T on transcript NM_030665.4 (MANE Select); coding-DNA position 3499, C replaced by T.
Protein change: p.Arg1167Trp; replaces arginine 1167 with tryptophan.
Molecular consequence: missense variant.
Genome position (GRCh38, 1-based): chr17:17,796,447, C>T. VCF-style: chr17-17796447-C-T. GRCh37 (hg19) VCF-style: chr17-17699761-C-T.
Other names: c.3499C>T (NM_030665.3); short protein forms R1167W.
Identifiers: ClinVar variation 2890574 (VCV002890574.4), dbSNP rs754797150, ClinGen allele CA8418735.